The following is an entry in ClinVar:

ClinVar aggregate classification (germline): Pathogenic. Review status: criteria provided, multiple submitters, no conflicts (2 of 4 stars). 6 submissions from 6 submitters: Pathogenic (5). 1 of the submissions does not count toward it. Last evaluated 2025-08-11.

Conditions:
Osteogenesis imperfecta, perinatal lethal (OI2). Also called: OI, TYPE II; OSTEOGENESIS IMPERFECTA CONGENITA; VROLIK TYPE OF OSTEOGENESIS IMPERFECTA; OSTEOGENESIS IMPERFECTA, TYPE II; Osteogenesis imperfecta, dominant perinatal lethal; Osteogenesis imperfecta type 2. Identifiers: Orphanet 216804, MedGen C0268358, MONDO:0008147, OMIM 166210.
Osteogenesis imperfecta type III (OI3). Also called: Progressively Deforming Osteogenesis Imperfecta; Osteogenesis imperfecta type 3; OI type 3; Osteogenesis imperfecta, progressively deforming with normal sclerae; OI type III. Identifiers: Orphanet 216812, Orphanet 666, MedGen C0268362, MONDO:0009804, OMIM 259420.
Osteoporosis. Identifiers: MedGen C0029456, MONDO:0005298, OMIM 166710, HP:0000939.
Ehlers-Danlos syndrome, arthrochalasia type. Also called: Ehlers-Danlos syndrome, arthrochalasia type, 1; ARTHROCHALASIS MULTIPLEX CONGENITA; EDS VII, MUTANT PROCOLLAGEN TYPE; EDS VIIA; Ehlers-Danlos syndrome, arthrochalasis type. Identifiers: Orphanet 1899, Orphanet 99875, Orphanet 99876, MedGen C4551623, MONDO:0007525, OMIM 130060.
Combined osteogenesis imperfecta and Ehlers-Danlos syndrome 1. Also called: OIEDS SYNDROME 1. Identifiers: MedGen C5436842, MONDO:0030854, OMIM 619115.
Infantile cortical hyperostosis. Also called: Hyperostosis, Cortical, Congenital; P1PK BLOOD GROUP SYSTEM, P(2) PHENOTYPE; Caffey Disease. Identifiers: Orphanet 1310, MedGen C0020497, MONDO:0007244, OMIM 114000.
Osteogenesis imperfecta with normal sclerae, dominant form (OI4). Also called: OSTEOGENESIS IMPERFECTA WITH NORMAL SCLERAE; Osteogenesis imperfecta type 4; OSTEOGENESIS IMPERFECTA, TYPE IV, WITH DENTINOGENESIS IMPERFECTA; Common Variable Osteogenesis Imperfecta with Normal Sclerae; Osteogenesis Imperfecta Type IV. Identifiers: Orphanet 216820, Orphanet 666, MedGen C0268363, MONDO:0008148, OMIM 166220.
Osteogenesis imperfecta type I (OI1). Also called: OI, TYPE I; OSTEOGENESIS IMPERFECTA TARDA; OSTEOGENESIS IMPERFECTA WITH BLUE SCLERAE; Osteogenesis imperfecta type 1; Classic Non-deforming Osteogenesis Imperfecta with Blue Sclerae; Lobstein's Disease. Identifiers: Orphanet 216796, Orphanet 666, MedGen C0023931, MONDO:0008146, OMIM 166200. Disease mechanism: loss of function.
COL1A1-related disorder. Also called: COL1A1-related condition; COL1A1- related disease.

Submissions (6):

Labcorp Genetics (formerly Invitae), Labcorp
Classification: Pathogenic for Osteogenesis imperfecta type I. Last evaluated: 2025-08-11. Review status: criteria provided, single submitter. Criteria: Invitae Variant Classification Sherloc (09022015). Collection method: clinical testing. Allele origin: germline.
Comment: This sequence change creates a premature translational stop signal (p.Gly1166Valfs*73) in the COL1A1 gene. It is expected to result in an absent or disrupted protein product. Loss-of-function variants in COL1A1 are known to be pathogenic (PMID: 7942841, 9295084, 9443882). This variant is not present in population databases (gnomAD no frequency). This premature translational stop signal has been observed in individual(s) with osteogenesis imperfecta (PMID: 19491628). ClinVar contains an entry for this variant (Variation ID: 478914). For these reasons, this variant has been classified as Pathogenic.

Clinical Biomedical Laboratory, Shriners Hospital For Children - Canada
Classification: Pathogenic for Osteogenesis imperfecta type I. Last evaluated: 2025-07-16. Review status: criteria provided, single submitter. Criteria: ACMG Guidelines, 2015. Collection method: clinical testing. Allele origin: germline. Affected: yes.
Comment: This variant is predicted to substitute a glycine residue by a valine residue in exon 47 and introduce a stop codon 73 amino acids downstream, which is expected to lead to degradation of the affected transcript. Loss-of-function variants in COL1A1 are an established cause of osteogenesis imperfecta (PMID 27509835). This variant is absent from the Genome Aggregation Database (v2.1.1).

Fulgent Genetics
Classification: Pathogenic for Infantile cortical hyperostosis; Ehlers-Danlos syndrome, arthrochalasia type; Osteogenesis imperfecta type I; Osteogenesis imperfecta, perinatal lethal; Osteogenesis imperfecta with normal sclerae, dominant form; Osteoporosis; Osteogenesis imperfecta type III; Combined osteogenesis imperfecta and Ehlers-Danlos syndrome 1. Last evaluated: 2022-03-03. Review status: criteria provided, single submitter. Criteria: ACMG Guidelines, 2015. Collection method: clinical testing. Allele origin: unknown.

GeneDx
Classification: Pathogenic. Last evaluated: 2021-04-27. Review status: criteria provided, single submitter. Criteria: GeneDx Variant Classification Process June 2021. Collection method: clinical testing. Allele origin: germline. Affected: yes.
Comment: Frameshift variant predicted to result in protein truncation or nonsense mediated decay in a gene for which loss-of-function is a known mechanism of disease; Not observed in large population cohorts (Lek et al., 2016); This variant is associated with the following publications: (PMID: 19491628)

Blueprint Genetics
Classification: Pathogenic for COL1A1-related disorders. Last evaluated: 2020-10-27. Review status: criteria provided, single submitter. Criteria: ACMG Guidelines, 2015. Collection method: clinical testing. Allele origin: germline. Affected: yes. Observed: 2 variant alleles.

Shenzhen Institute of Pediatrics, Shenzhen Children's Hospital
Classification: Pathogenic for Osteogenesis imperfecta type I. Last evaluated: 2017-07-18. Review status: no assertion criteria provided. Collection method: clinical testing. Allele origin: de novo. Inheritance: Autosomal dominant inheritance. Affected: yes. Observed: 1 variant allele, 1 heterozygote. Not counted in ClinVar's aggregate classification.

Literature cited by the submitters: PubMed 7942841 (cited by Labcorp Genetics (formerly Invitae), Labcorp); PubMed 9295084 (cited by Labcorp Genetics (formerly Invitae), Labcorp); PubMed 9443882 (cited by Labcorp Genetics (formerly Invitae), Labcorp); PubMed 19491628 (cited by Labcorp Genetics (formerly Invitae), Labcorp); PubMed 27509835 (cited by Clinical Biomedical Laboratory, Shriners Hospital For Children - Canada).

NM_000088.4(COL1A1):c.3495del (p.Gly1166fs)

Gene: COL1A1 (collagen type I alpha 1 chain; minus strand). Cytogenetic location: 17q21.33.
Variant type: Deletion.
Coding change: c.3495del on transcript NM_000088.4 (MANE Select); coding-DNA position 3495, one base deleted (T; older notation c.3495delT).
Protein change: p.Gly1166fs; shifts the reading frame from glycine 1166.
Molecular consequence: frameshift variant.
Genome position (GRCh38, 1-based): chr17:50,187,051, A deleted on the plus strand (T on the coding strand, the reverse complement: COL1A1 is on the minus strand). VCF-style (leftmost placement, unchanged base first): chr17-50187050-CA-C. GRCh37 (hg19) VCF-style: chr17-48264411-CA-C.
Other names: c.3495delT (NM_000088.3); short protein forms G1166fs.
Identifiers: ClinVar variation 478914 (VCV000478914.16), dbSNP rs1555571916, ClinGen allele CA658656697.
Genomic context (GRCh38, chr17:50,187,050, plus strand): 5'-GCAGAGGGGATGAGGGGCTACATACAACAGGACCAGCATCACCAGTGCGACCGCGAGGAC[CA>C]GGGGGCCCAATGGGGCCAGGGAGACCGTTGAGTCCATCTTTGCCAGGAGCACCAGCAGAG-3'